The following is an entry in ClinVar:

ClinVar aggregate classification (germline): Pathogenic (1 of 4 stars; one submission).

Conditions:
Fabry disease. Also called: ALPHA-GALACTOSIDASE A DEFICIENCY; ANDERSON-FABRY DISEASE; CERAMIDE TRIHEXOSIDASE DEFICIENCY; GLA DEFICIENCY; HEREDITARY DYSTOPIC LIPIDOSIS; Angiokeratoma corporis diffusum. Identifiers: Orphanet 324, MedGen C0002986, MONDO:0010526, OMIM 301500, HP:0001071. Disease mechanism: Fabry disease is due to inactivating mutations in the X-linked GLA gene resulting in deficiency of the enzyme Alpha Galactosidase-A., loss of function.

Submission:

Genomenon, Inc
Classification: Pathogenic for Fabry disease. Last evaluated: 2026-09-08. Review status: criteria provided, single submitter. Criteria: Genomenon Sequence Variant Interpretation Standards - Updated. Collection method: curation. Allele origin: germline. Affected: yes.
Comment: GLA p.Met42TrpfsTer79 (c.123del) is a frameshift variant that is predicted to introduce a premature termination codon and result in a truncated or absent protein product. This variant has been observed in at least one proband with clinical features consistent with Fabry disease (PMID:18224310;32442237;29853467;38717582). Functional or patient cell studies have been reported (PMID:18224310). It is absent or not present at a significant frequency in gnomAD. In conclusion, we classify GLA p.Met42TrpfsTer79 (c.123del) as a pathogenic variant.

Literature cited by the submitters: PubMed 18224310; PubMed 32442237; PubMed 29853467; PubMed 38717582.

NM_000169.3(GLA):c.123del (p.Met42fs)

Genes: GLA (galactosidase alpha; minus strand), RPL36A-HNRNPH2 (RPL36A-HNRNPH2 readthrough; plus strand). Cytogenetic location: Xq22.1.
Variant type: Deletion.
Coding change: c.123del on transcript NM_000169.3 (MANE Select); coding-DNA position 123, one base deleted (C; older notation c.123delC).
Protein change: p.Met42fs; shifts the reading frame from methionine 42.
Molecular consequence: frameshift variant. On other transcripts: non-coding transcript variant (3), intron variant (2).
Genome position (GRCh38, 1-based): chrX:101,407,781, G deleted on the plus strand (C on the coding strand, the reverse complement: GLA is on the minus strand); the first of 2 consecutive G bases (chrX:101,407,781-101,407,782); deleting either gives the same sequence. VCF-style (leftmost placement, unchanged base first): chrX-101407780-TG-T. GRCh37 (hg19) VCF-style: chrX-100662768-TG-T.
Other names: c.123del, p.Met42fs (NM_001406747.1, NM_001406748.1, NM_001406749.1); c.301-4154del (NM_001199973.2); c.178-4154del (NM_001199974.2); short protein forms M42fs.
Identifiers: ClinVar variation 4087257 (VCV004087257.2).